The following is an entry in ClinVar:

ClinVar aggregate classification (germline): Uncertain significance (1 of 4 stars; one submission).

Allele frequency attached by ClinVar (database versions not stated): ExAC 0.00012; ESP Exome Variant Server 0.00015; 1000 Genomes Project 30x 0.00016; 1000 Genomes Project 0.00020; gnomAD 0.00028; TOPMed 0.00030.
gnomAD v4.1: 101 of 1,614,090 alleles (0.0063%); highest among the groups gnomAD compares: African/African-American, 0.095%; no homozygotes.

Submission:

Labcorp Genetics (formerly Invitae), Labcorp
Classification: Uncertain significance. Last evaluated: 2026-01-14. Review status: criteria provided, single submitter. Criteria: Invitae Variant Classification Sherloc (09022015). Collection method: clinical testing. Allele origin: germline.
Comment: This sequence change replaces alanine, which is neutral and non-polar, with threonine, which is neutral and polar, at codon 1193 of the FBN3 protein (p.Ala1193Thr). This variant is present in population databases (rs147529451, gnomAD 0.1%), and has an allele count higher than expected for a pathogenic variant. This variant has not been reported in the literature in individuals affected with FBN3-related conditions. ClinVar contains an entry for this variant (Variation ID: 2043921). Invitae Evidence Modeling of protein sequence and biophysical properties (such as structural, functional, and spatial information, amino acid conservation, physicochemical variation, residue mobility, and thermodynamic stability) indicates that this missense variant is not expected to disrupt FBN3 protein function with a negative predictive value of 80%. In summary, the available evidence is currently insufficient to determine the role of this variant in disease. Therefore, it has been classified as a Variant of Uncertain Significance.

NM_032447.5(FBN3):c.3577G>A (p.Ala1193Thr)

Gene: FBN3 (fibrillin 3; minus strand). Cytogenetic location: 19p13.2.
Variant type: single nucleotide variant.
Coding change: c.3577G>A on transcript NM_032447.5 (MANE Select); coding-DNA position 3577, G replaced by A.
Protein change: p.Ala1193Thr; replaces alanine 1193 with threonine.
Molecular consequence: missense variant.
Genome position (GRCh38, 1-based): chr19:8,117,178, C>T on the plus strand (G>A on the coding strand, the complement: FBN3 is on the minus strand). VCF-style: chr19-8117178-C-T. GRCh37 (hg19) VCF-style: chr19-8182062-C-T.
Other names: c.3577G>A, p.Ala1193Thr (NM_001321431.2); short protein forms A1193T.
Identifiers: ClinVar variation 2043921 (VCV002043921.4), dbSNP rs147529451, ClinGen allele CA9152410.